The following is an entry in ClinVar:

ClinVar aggregate classification (germline): Pathogenic (1 of 4 stars; one submission).

Conditions:
Neurofibromatosis, type 1 (NF1). Also called: VON RECKLINGHAUSEN DISEASE; Neurofibromatosis, type I; NEUROFIBROMATOSIS, TYPE I, SOMATIC; Peripheral type neurofibromatosis. Identifiers: Orphanet 636, MedGen C0027831, MONDO:0018975, OMIM 162200. Disease mechanism: loss of function.

Submission:

Labcorp Genetics (formerly Invitae), Labcorp
Classification: Pathogenic for Neurofibromatosis, type 1. Last evaluated: 2023-12-08. Review status: criteria provided, single submitter. Criteria: Invitae Variant Classification Sherloc (09022015). Collection method: clinical testing. Allele origin: germline.
Comment: This sequence change creates a premature translational stop signal (p.Ser285Glnfs*5) in the NF1 gene. It is expected to result in an absent or disrupted protein product. Loss-of-function variants in NF1 are known to be pathogenic (PMID: 10712197, 23913538). This variant is not present in population databases (gnomAD no frequency). This variant has not been reported in the literature in individuals affected with NF1-related conditions. For these reasons, this variant has been classified as Pathogenic.

Literature cited by the submitters: PubMed 10712197; PubMed 23913538.

NM_001042492.3(NF1):c.852_853del (p.Ser285fs)

Gene: NF1 (neurofibromin 1; plus strand). Cytogenetic location: 17q11.2.
Variant type: Microsatellite.
Coding change: c.852_853del on transcript NM_001042492.3 (MANE Select); coding-DNA positions 852 to 853, 2 bases deleted (AT; older notation c.852_853delAT).
Protein change: p.Ser285fs; shifts the reading frame from serine 285.
Molecular consequence: frameshift variant.
Genome position (GRCh38, 1-based): chr17:31,182,629-31,182,630, AT deleted; deleting any 2 consecutive bases within chr17:31,182,625-31,182,630 gives the same sequence; the c. name uses the placement nearest the transcript's 3' end. VCF-style (leftmost placement, unchanged base first): chr17-31182624-GAT-G. GRCh37 (hg19) VCF-style: chr17-29509642-GAT-G.
Other names: c.852_853del, p.Ser285fs (NM_001128147.3); c.848_849AT[2], p.Ser285Glnfs (NM_000267.4); short protein forms S285fs.
Identifiers: ClinVar variation 2764810 (VCV002764810.3), dbSNP rs2544754097, ClinGen allele CA2697559691.